The following is an entry in ClinVar:

ClinVar aggregate classification (germline): Uncertain significance (1 of 4 stars; one submission).

Allele frequency attached by ClinVar (database versions not stated): gnomAD exomes 0.00001; ExAC 0.00001; TOPMed 0.00002; gnomAD 0.00001; 1000 Genomes Project 30x 0.00016; 1000 Genomes Project 0.00020.
gnomAD v4.1: 21 of 1,614,030 alleles (0.0013%); highest among the groups gnomAD compares: Admixed American, 0.018%; no homozygotes.

Submission:

Labcorp Genetics (formerly Invitae), Labcorp
Classification: Uncertain significance. Last evaluated: 2022-07-21. Review status: criteria provided, single submitter. Criteria: Invitae Variant Classification Sherloc (09022015). Collection method: clinical testing. Allele origin: germline.
Comment: Algorithms developed to predict the effect of missense changes on protein structure and function are either unavailable or do not agree on the potential impact of this missense change (SIFT: "Deleterious"; PolyPhen-2: "Probably Damaging"; Align-GVGD: "Class C0"). In summary, the available evidence is currently insufficient to determine the role of this variant in disease. Therefore, it has been classified as a Variant of Uncertain Significance. This variant has not been reported in the literature in individuals affected with HERC1-related conditions. This variant is present in population databases (rs570728689, gnomAD 0.03%). This sequence change replaces asparagine, which is neutral and polar, with serine, which is neutral and polar, at codon 44 of the HERC1 protein (p.Asn44Ser).

NM_003922.4(HERC1):c.131A>G (p.Asn44Ser)

Gene: HERC1 (HECT and RLD domain containing E3 ubiquitin protein ligase family member 1; minus strand). Cytogenetic location: 15q22.31.
Variant type: single nucleotide variant.
Coding change: c.131A>G on transcript NM_003922.4 (MANE Select); coding-DNA position 131, A replaced by G.
Protein change: p.Asn44Ser; replaces asparagine 44 with serine.
Molecular consequence: missense variant.
Genome position (GRCh38, 1-based): chr15:63,775,493, T>C on the plus strand (A>G on the coding strand, the complement: HERC1 is on the minus strand). VCF-style: chr15-63775493-T-C. GRCh37 (hg19) VCF-style: chr15-64067692-T-C.
Other names: short protein forms N44S.
Identifiers: ClinVar variation 2076675 (VCV002076675.4), dbSNP rs570728689, ClinGen allele CA7606697.
Genomic context (GRCh38, chr15:63,775,493, plus strand): 5'-TCTGGCAACTGTGGTCCTTTGAGGCATAAAACTTGTTGGGGCAAAGGTACTACTTCCTTA[T>C]TGCTAACCAGTTTAGAATACAGAACAGCAACTCCCTCTCTTGTAGCAATAGATTCACTGT-3'
Protein context (NP_003913.3, residues 34-54): VAVLYSKLVS[Asn44Ser]KEVVPLPQQV